The following is an entry in ClinVar:

NM_001004334.4(GPR179):c.4549A>G (p.Met1517Val)

Gene: GPR179 (G protein-coupled receptor 179; minus strand). Cytogenetic location: 17q12.
Variant type: single nucleotide variant.
Coding change: c.4549A>G on transcript NM_001004334.4 (MANE Select); coding-DNA position 4549, A replaced by G.
Protein change: p.Met1517Val; replaces methionine 1517 with valine.
Molecular consequence: missense variant.
Genome position (GRCh38, 1-based): chr17:38,329,020, T>C on the plus strand (A>G on the coding strand, the complement: GPR179 is on the minus strand). VCF-style: chr17-38329020-T-C. GRCh37 (hg19) VCF-style: chr17-36484903-T-C.
Other names: c.4549A>G (NM_001004334.2); short protein forms M1517V.
Identifiers: ClinVar variation 1465180 (VCV001465180.6), dbSNP rs763714122, ClinGen allele CA290104091.

ClinVar aggregate classification (germline): Uncertain significance. Review status: criteria provided, multiple submitters, no conflicts (2 of 4 stars). 2 submissions from 2 submitters: Uncertain significance (2). Last evaluated 2022-11-01.

Conditions:
Inborn genetic diseases. Identifiers: MedGen C0950123, MeSH D030342.

Allele frequency attached by ClinVar (database versions not stated): gnomAD 0.00001; gnomAD exomes 0.00002; ExAC 0.00001.

Submissions (2):

Labcorp Genetics (formerly Invitae), Labcorp
Classification: Uncertain significance. Last evaluated: 2022-11-01. Review status: criteria provided, single submitter. Criteria: Invitae Variant Classification Sherloc (09022015). Collection method: clinical testing. Allele origin: germline.
Comment: This sequence change replaces methionine, which is neutral and non-polar, with valine, which is neutral and non-polar, at codon 1517 of the GPR179 protein (p.Met1517Val). This variant is present in population databases (rs763714122, gnomAD 0.03%). This variant has not been reported in the literature in individuals affected with GPR179-related conditions. ClinVar contains an entry for this variant (Variation ID: 1465180). Algorithms developed to predict the effect of missense changes on protein structure and function output the following: SIFT: "Tolerated"; PolyPhen-2: "Benign"; Align-GVGD: "Class C0". The valine amino acid residue is found in multiple mammalian species, which suggests that this missense change does not adversely affect protein function. In summary, the available evidence is currently insufficient to determine the role of this variant in disease. Therefore, it has been classified as a Variant of Uncertain Significance.

Ambry Genetics
Classification: Uncertain significance for Inborn genetic diseases. Last evaluated: 2021-12-07. Review status: criteria provided, single submitter. Criteria: Ambry Variant Classification Scheme 2023. Collection method: clinical testing. Allele origin: germline.